The following is an entry in ClinVar:

ClinVar aggregate classification (germline): Uncertain significance (1 of 4 stars; one submission).

Conditions:
Familial hemiplegic migraine. Identifiers: MedGen C0338484, MONDO:0000700.

Allele frequency attached by ClinVar (database versions not stated): gnomAD exomes below 0.00001 and 0.00001; ExAC 0.00001; gnomAD 0.00001.
gnomAD v4.1: 4 of 1,613,614 alleles (0.00025%); highest among the groups gnomAD compares: South Asian, 0.0033%; no homozygotes.

Submission:

Labcorp Genetics (formerly Invitae), Labcorp
Classification: Uncertain significance for Familial hemiplegic migraine. Last evaluated: 2021-06-25. Review status: criteria provided, single submitter. Criteria: Invitae Variant Classification Sherloc (09022015). Collection method: clinical testing. Allele origin: germline.
Comment: This variant has not been reported in the literature in individuals affected with ATP1A2-related conditions. Algorithms developed to predict the effect of sequence changes on RNA splicing suggest that this variant is not likely to affect RNA splicing. In summary, the available evidence is currently insufficient to determine the role of this variant in disease. Therefore, it has been classified as a Variant of Uncertain Significance. This variant is present in population databases (rs760732436, ExAC 0.006%). This sequence change affects codon 761 of the ATP1A2 mRNA. It is a 'silent' change, meaning that it does not change the encoded amino acid sequence of the ATP1A2 protein. It affects a nucleotide within the consensus splice site of the intron.

NM_000702.4(ATP1A2):c.2283G>A (p.Glu761=)

Gene: ATP1A2 (ATPase Na+/K+ transporting subunit alpha 2; plus strand). Cytogenetic location: 1q23.2.
Variant type: single nucleotide variant.
Coding change: c.2283G>A on transcript NM_000702.4 (MANE Select); coding-DNA position 2283, G replaced by A.
Protein change: p.Glu761=; no amino-acid change (glutamic acid 761 retained).
Molecular consequence: synonymous variant.
Genome position (GRCh38, 1-based): chr1:160,135,601, G>A. VCF-style: chr1-160135601-G-A. GRCh37 (hg19) VCF-style: chr1-160105391-G-A.
Identifiers: ClinVar variation 1481319 (VCV001481319.6), dbSNP rs760732436, ClinGen allele CA1194699.